The following is an entry in ClinVar:

NM_017841.4(SDHAF2):c.287A>T (p.His96Leu)

Gene: SDHAF2 (succinate dehydrogenase complex assembly factor 2; plus strand). Cytogenetic location: 11q12.2.
Variant type: single nucleotide variant.
Coding change: c.287A>T on transcript NM_017841.4 (MANE Select); coding-DNA position 287, A replaced by T.
Protein change: p.His96Leu; replaces histidine 96 with leucine.
Molecular consequence: missense variant.
Genome position (GRCh38, 1-based): chr11:61,438,030, A>T. VCF-style: chr11-61438030-A-T. GRCh37 (hg19) VCF-style: chr11-61205502-A-T.
Other names: short protein forms H96L.
Identifiers: ClinVar variation 3438740 (VCV003438740.1).

ClinVar aggregate classification (germline): Uncertain significance (1 of 4 stars; one submission).

Conditions:
Hereditary cancer-predisposing syndrome. Also called: Tumor predisposition; Neoplastic Syndromes, Hereditary; Hereditary neoplastic syndrome; Hereditary Cancer Syndrome. Identifiers: Orphanet 140162, MedGen C0027672, MeSH D009386, MONDO:0015356.

Submission:

Ambry Genetics
Classification: Uncertain significance for Hereditary cancer-predisposing syndrome. Last evaluated: 2024-10-25. Review status: criteria provided, single submitter. Criteria: Ambry Variant Classification Scheme 2023. Collection method: clinical testing. Allele origin: germline.
Comment: The p.H96L variant (also known as c.287A>T), located in coding exon 3 of the SDHAF2 gene, results from an A to T substitution at nucleotide position 287. The histidine at codon 96 is replaced by leucine, an amino acid with similar properties. This amino acid position is conserved. In addition, this alteration is predicted to be tolerated by in silico analysis. Based on the available evidence, the clinical significance of this variant remains unclear.